The following is an entry in ClinVar:

ClinVar aggregate classification (germline): Conflicting classifications of pathogenicity. Review status: criteria provided, conflicting classifications (1 of 4 stars). 2 submissions from 2 submitters: Uncertain significance (1); Likely benign (1). Last evaluated 2024-07-05.

Conditions:
Werner syndrome (WRN). Identifiers: Orphanet 902, MedGen C0043119, MONDO:0010196, OMIM 277700.
Inborn genetic diseases. Identifiers: MedGen C0950123, MeSH D030342.

Allele frequency attached by ClinVar (database versions not stated): gnomAD exomes below 0.00001.
gnomAD v4.1: 2 of 1,613,528 alleles (0.00012%); highest among the groups gnomAD compares: South Asian, 0.0011%; no homozygotes.

Submissions (2):

Ambry Genetics
Classification: Likely benign for Inborn genetic diseases. Last evaluated: 2024-07-05. Review status: criteria provided, single submitter. Criteria: Ambry Variant Classification Scheme 2023. Collection method: clinical testing. Allele origin: germline.

Labcorp Genetics (formerly Invitae), Labcorp
Classification: Uncertain significance for Werner syndrome. Last evaluated: 2022-10-08. Review status: criteria provided, single submitter. Criteria: Invitae Variant Classification Sherloc (09022015). Collection method: clinical testing. Allele origin: germline.
Comment: ClinVar contains an entry for this variant (Variation ID: 1480266). In summary, the available evidence is currently insufficient to determine the role of this variant in disease. Therefore, it has been classified as a Variant of Uncertain Significance. Algorithms developed to predict the effect of missense changes on protein structure and function output the following: SIFT: "Not Available"; PolyPhen-2: "Benign"; Align-GVGD: "Not Available". The threonine amino acid residue is found in multiple mammalian species, which suggests that this missense change does not adversely affect protein function. This variant has not been reported in the literature in individuals affected with WRN-related conditions. This variant is present in population databases (no rsID available, gnomAD 0.0009%). This sequence change replaces isoleucine, which is neutral and non-polar, with threonine, which is neutral and polar, at codon 417 of the WRN protein (p.Ile417Thr).

NM_000553.6(WRN):c.1250T>C (p.Ile417Thr)

Gene: WRN (WRN RecQ like helicase; plus strand). Cytogenetic location: 8p12.
Variant type: single nucleotide variant.
Coding change: c.1250T>C on transcript NM_000553.6 (MANE Select); coding-DNA position 1250, T replaced by C.
Protein change: p.Ile417Thr; replaces isoleucine 417 with threonine.
Molecular consequence: missense variant.
Genome position (GRCh38, 1-based): chr8:31,081,277, T>C. VCF-style: chr8-31081277-T-C. GRCh37 (hg19) VCF-style: chr8-30938793-T-C.
Other names: c.1250T>C (NM_000553.4); short protein forms I417T.
Identifiers: ClinVar variation 1480266 (VCV001480266.7), dbSNP rs1295448612, ClinGen allele CA370921494.
Genomic context (GRCh38, chr8:31,081,277, plus strand): 5'-TTACAGAACATGAACTCCAAATTTTGGAACAGCAGTCTCAGGAAGAATATCTTAGTGATA[T>C]TGCTTATAAATCTACTGAGGTACTAAATAAAGAGGAAGCACATTTTTAGTTATTAGTAGG-3'
Protein context (NP_000544.2, residues 407-427): QQSQEEYLSD[Ile417Thr]AYKSTEHLSP